The following is an entry in ClinVar:

ClinVar aggregate classification (germline): Uncertain significance. Review status: criteria provided, multiple submitters, no conflicts (2 of 4 stars). 3 submissions from 3 submitters: Uncertain significance (3). Last evaluated 2026-03-23.

Conditions:
TTN-related disorder. Also called: TTN-related condition; TTN-related disease; TTN-related disorders.

gnomAD v4.1: 26 of 1,606,922 alleles (0.0016%); highest among the groups gnomAD compares: African/African-American, 0.0027%; no homozygotes.

Submissions (3):

PreventionGenetics, part of Exact Sciences
Classification: Uncertain significance for TTN-related condition. Last evaluated: 2026-03-23. Review status: criteria provided, single submitter. Criteria: ACMG Guidelines, 2015. Collection method: clinical testing. Allele origin: germline.
Comment: The TTN c.78835G>T variant is predicted to result in the amino acid substitution p.Val26279Leu. To our knowledge, this variant has not been reported in the literature. This variant is reported in 0.00091% of alleles in individuals of European (Non-Finnish) descent in gnomAD. At this time, the clinical significance of this variant is uncertain due to the absence of conclusive functional and genetic evidence.

Mayo Clinic Laboratories, Mayo Clinic
Classification: Uncertain significance. Last evaluated: 2025-09-24. Review status: criteria provided, single submitter. Criteria: ACMG Guidelines, 2015. Collection method: clinical testing. Allele origin: germline. Observed: 1 variant allele.
Comment: BP4_moderate, PM2_supporting

Revvity Omics, Revvity
Classification: Uncertain significance. Last evaluated: 2024-07-12. Review status: criteria provided, single submitter. Criteria: ACMG Guidelines, 2015. Collection method: clinical testing. Allele origin: germline.

NM_001267550.2(TTN):c.78835G>T (p.Val26279Leu)

Genes: TTN (titin; minus strand), TTN-AS1 (TTN antisense RNA 1; plus strand). Cytogenetic location: 2q31.2.
Variant type: single nucleotide variant.
Coding change: c.78835G>T on transcript NM_001267550.2 (MANE Select); coding-DNA position 78835, G replaced by T.
Protein change: p.Val26279Leu; replaces valine 26279 with leucine.
Molecular consequence: missense variant.
Genome position (GRCh38, 1-based): chr2:178,567,297, C>A on the plus strand (G>T on the coding strand, the complement: TTN is on the minus strand). VCF-style: chr2-178567297-C-A. GRCh37 (hg19) VCF-style: chr2-179432024-C-A.
Other names: p.Val24638Leu; c.73912G>T, p.Val24638Leu (NM_001256850.1); c.51640G>T, p.Val17214Leu (NM_003319.4); c.71131G>T, p.Val23711Leu (NM_133378.4); c.52015G>T, p.Val17339Leu (NM_133432.3); c.52216G>T, p.Val17406Leu (NM_133437.4); short protein forms V17214L, V17339L, V17406L, V23711L, V24638L, V26279L.
Identifiers: ClinVar variation 4080819 (VCV004080819.3).